The following is an entry in ClinVar:

ClinVar aggregate classification (germline): Uncertain significance (1 of 4 stars; one submission).

Allele frequency attached by ClinVar (database versions not stated): gnomAD 0.00001; TOPMed 0.00001; gnomAD exomes 0.00004; ExAC 0.00006.
gnomAD v4.1: 17 of 1,578,978 alleles (0.0011%); highest among the groups gnomAD compares: East Asian, 0.034%; no homozygotes.

Submission:

Labcorp Genetics (formerly Invitae), Labcorp
Classification: Uncertain significance. Last evaluated: 2025-01-12. Review status: criteria provided, single submitter. Criteria: Invitae Variant Classification Sherloc (09022015). Collection method: clinical testing. Allele origin: germline.
Comment: This sequence change replaces valine, which is neutral and non-polar, with leucine, which is neutral and non-polar, at codon 1255 of the ERBB2 protein (p.Val1255Leu). This variant is present in population databases (rs755744500, gnomAD 0.05%). This variant has not been reported in the literature in individuals affected with ERBB2-related conditions. ClinVar contains an entry for this variant (Variation ID: 1008875). An algorithm developed to predict the effect of missense changes on protein structure and function (PolyPhen-2) suggests that this variant is likely to be tolerated. In summary, the available evidence is currently insufficient to determine the role of this variant in disease. Therefore, it has been classified as a Variant of Uncertain Significance.

NM_004448.4(ERBB2):c.3763G>T (p.Val1255Leu)

Gene: ERBB2 (erb-b2 receptor tyrosine kinase 2; plus strand). Cytogenetic location: 17q12.
Variant type: single nucleotide variant.
Coding change: c.3763G>T on transcript NM_004448.4 (MANE Select); coding-DNA position 3763, G replaced by T.
Protein change: p.Val1255Leu; replaces valine 1255 with leucine.
Molecular consequence: missense variant. On other transcripts: 3 prime UTR variant (2), non-coding transcript variant (1).
Genome position (GRCh38, 1-based): chr17:39,728,039, G>T. VCF-style: chr17-39728039-G-T. GRCh37 (hg19) VCF-style: chr17-37884292-G-T.
Other names: c.3673G>T, p.Val1225Leu (NM_001005862.3, NM_001382782.1, NM_001382783.1); c.3718G>T, p.Val1240Leu (NM_001289936.2); c.*342G>T (NM_001289937.2, NM_001382803.1); c.3880G>T, p.Val1294Leu (NM_001382784.1); c.3865G>T, p.Val1289Leu (NM_001382785.1); c.3844G>T, p.Val1282Leu (NM_001382786.1); c.3838G>T, p.Val1280Leu (NM_001382787.1); c.3793G>T, p.Val1265Leu (NM_001382788.1); and 16 more; short protein forms V1169L, V1187L, V1193L, V1195L, V1203L, V1222L, V1225L, V1226L.
Identifiers: ClinVar variation 1008875 (VCV001008875.8), dbSNP rs755744500, ClinGen allele CA8534621.
Genomic context (GRCh38, chr17:39,728,039, plus strand): 5'-AGCACCTTCAAAGGGACACCTACGGCAGAGAACCCAGAGTACCTGGGTCTGGACGTGCCA[G>T]TGTGAACCAGAAGGCCAAGTCCGCAGAAGCCCTGATGTGTCCTCAGGGAGCAGGGAAGGC-3'
Protein context (NP_004439.2, residues 1245-1255): NPEYLGLDVP[Val1255Leu]